The following is an entry in ClinVar:

ClinVar aggregate classification (germline): Uncertain significance (1 of 4 stars; one submission).

gnomAD v4.1: 1 of 1,614,166 alleles (0.000062%); highest among the groups gnomAD compares: Non-Finnish European, 0.000085%; no homozygotes.

Submission:

GeneDx
Classification: Uncertain significance. Last evaluated: 2024-09-20. Review status: criteria provided, single submitter. Criteria: GeneDx Variant Classification Process June 2021. Collection method: clinical testing. Allele origin: germline. Affected: yes.
Comment: Not observed at significant frequency in large population cohorts (gnomAD); In silico analysis supports that this missense variant has a deleterious effect on protein structure/function; Has not been previously published as pathogenic or benign to our knowledge

NM_000388.4(CASR):c.922C>G (p.Pro308Ala)

Gene: CASR (calcium sensing receptor; plus strand). Cytogenetic location: 3q21.1.
Variant type: single nucleotide variant.
Coding change: c.922C>G on transcript NM_000388.4 (MANE Select); coding-DNA position 922, C replaced by G.
Protein change: p.Pro308Ala; replaces proline 308 with alanine.
Molecular consequence: missense variant.
Genome position (GRCh38, 1-based): chr3:122,261,957, C>G. VCF-style: chr3-122261957-C-G. GRCh37 (hg19) VCF-style: chr3-121980804-C-G.
Other names: c.922C>G, p.Pro308Ala (NM_001178065.2); short protein forms P308A.
Identifiers: ClinVar variation 3774108 (VCV003774108.1).
Genomic context (GRCh38, chr3:122,261,957, plus strand): 5'-ATCACGGGCAAGATCTGGCTGGCCAGCGAGGCCTGGGCCAGCTCCTCCCTGATCGCCATG[C>G]CTCAGTACTTCCACGTGGTTGGCGGCACCATTGGATTCGCTCTGAAGGCTGGGCAGATCC-3'
Protein context (NP_000379.3, residues 298-318): AWASSSLIAM[Pro308Ala]QYFHVVGGTI